The following is an entry in ClinVar:

NM_004082.5(DCTN1):c.2254-5C>T

Gene: DCTN1 (dynactin subunit 1; minus strand). Cytogenetic location: 2p13.1.
Variant type: single nucleotide variant.
Coding change: c.2254-5C>T on transcript NM_004082.5 (MANE Select); 5 bases into the intron before coding-DNA position 2254, C replaced by T.
Molecular consequence: intron variant.
Genome position (GRCh38, 1-based): chr2:74,367,112, G>A on the plus strand (C>T on the coding strand, the complement: DCTN1 is on the minus strand). VCF-style: chr2-74367112-G-A. GRCh37 (hg19) VCF-style: chr2-74594239-G-A.
Other names: c.2143-5C>T (NM_001190836.2); c.2185-5C>T (NM_001378992.1); c.2203-5C>T (NM_001378991.1); c.2194-5C>T (NM_001135040.3); c.2233-5C>T (NM_001190837.2); c.1852-5C>T (NM_001135041.3, NM_023019.4).
Identifiers: ClinVar variation 468263 (VCV000468263.12), dbSNP rs746514094, ClinGen allele CA1721892.

ClinVar aggregate classification (germline): Likely benign. Review status: criteria provided, single submitter (1 of 4 stars). 2 submissions from 2 submitters: Likely benign (1). 1 of the submissions does not count toward it. Last evaluated 2022-01-14.

Conditions:
DCTN1-related disorder. Also called: DCTN1-related condition.
Amyotrophic lateral sclerosis type 1 (ALS1). Also called: AMYOTROPHIC LATERAL SCLEROSIS 1, FAMILIAL. Identifiers: Orphanet 803, MedGen C1862939, MONDO:0007103, OMIM 105400.
Perry syndrome. Also called: PARKINSONISM WITH ALVEOLAR HYPOVENTILATION AND MENTAL DEPRESSION. Identifiers: Orphanet 178509, MedGen C1868594, MONDO:0008201, OMIM 168605.
Neuronopathy, distal hereditary motor, type 7B. Also called: Distal Hereditary Motor Neuronopathy Type 7B (dHMN7B); HMN VIIB; LOWER MOTOR NEURON DISEASE, DYNACTIN TYPE; NEURONOPATHY, DISTAL HEREDITARY MOTOR, AUTOSOMAL DOMINANT 14; NEURONOPATHY, DISTAL HEREDITARY MOTOR, HARDING TYPE VIIB; NEUROPATHY, DISTAL HEREDITARY MOTOR, HARDING TYPE VIIB. Identifiers: Orphanet 139589, MedGen C1843315, MONDO:0011879, OMIM 607641.

Allele frequency attached by ClinVar (database versions not stated): gnomAD exomes below 0.00001 and 0.00001; ExAC 0.00001; gnomAD 0.00001; TOPMed 0.00001.
gnomAD v4.1: 13 of 1,614,028 alleles (0.00081%); highest among the groups gnomAD compares: Non-Finnish European, 0.00076%; no homozygotes.

Submissions (2):

Labcorp Genetics (formerly Invitae), Labcorp
Classification: Likely benign for Amyotrophic lateral sclerosis type 1; Neuronopathy, distal hereditary motor, type 7B; Perry syndrome. Last evaluated: 2022-01-14. Review status: criteria provided, single submitter. Criteria: Invitae Variant Classification Sherloc (09022015). Collection method: clinical testing. Allele origin: germline.

PreventionGenetics, part of Exact Sciences
Classification: Uncertain significance for DCTN1-related condition. Last evaluated: 2024-08-07. Review status: no assertion criteria provided. Collection method: clinical testing. Allele origin: germline. Not counted in ClinVar's aggregate classification.
Comment: The DCTN1 c.2254-5C>T variant is predicted to interfere with splicing. To our knowledge, this variant has not been reported in the literature. This variant is reported in 0.00088% of alleles in individuals of European (Non-Finnish) descent in gnomAD. At this time, the clinical significance of this variant is uncertain due to the absence of conclusive functional and genetic evidence.